The following is an entry in ClinVar:

NM_000282.4(PCCA):c.1267C>T (p.Pro423Ser)

Gene: PCCA (propionyl-CoA carboxylase subunit alpha; plus strand). Cytogenetic location: 13q32.3.
Variant type: single nucleotide variant.
Coding change: c.1267C>T on transcript NM_000282.4 (MANE Select); coding-DNA position 1267, C replaced by T.
Protein change: p.Pro423Ser; replaces proline 423 with serine.
Molecular consequence: missense variant. On other transcripts: non-coding transcript variant (5).
Genome position (GRCh38, 1-based): chr13:100,302,981, C>T. VCF-style: chr13-100302981-C-T. GRCh37 (hg19) VCF-style: chr13-100955235-C-T.
Other names: c.1189C>T, p.Pro397Ser (NM_001127692.3, NM_001352607.2); c.1267C>T, p.Pro423Ser (NM_001178004.2, NM_001352605.2, NM_001352609.2); c.1123C>T, p.Pro375Ser (NM_001352606.2); c.1045C>T, p.Pro349Ser (NM_001352608.2); c.322C>T, p.Pro108Ser (NM_001352610.2, NM_001352611.2); c.178C>T, p.Pro60Ser (NM_001352612.2); short protein forms P397S, P423S, P60S, P108S, P349S, P375S.
Identifiers: ClinVar variation 2166075 (VCV002166075.5), dbSNP rs754755038, ClinGen allele CA7033559.

ClinVar aggregate classification (germline): Conflicting classifications of pathogenicity. Review status: criteria provided, conflicting classifications (1 of 4 stars). 2 submissions from 2 submitters: Likely pathogenic (1); Uncertain significance (1). Last evaluated 2025-09-01.

Conditions:
Propionic acidemia (PROP). Also called: GLYCINEMIA, KETOTIC; HYPERGLYCINEMIA WITH KETOACIDOSIS AND LEUKOPENIA; KETOTIC HYPERGLYCINEMIA. Identifiers: Orphanet 35, MedGen C0268579, MONDO:0011628, OMIM 606054, HP:0003571.

Allele frequency attached by ClinVar (database versions not stated): gnomAD 0.00001; gnomAD exomes 0.00001; TOPMed 0.00001; ExAC 0.00002.
gnomAD v4.1: 21 of 1,593,770 alleles (0.0013%); highest among the groups gnomAD compares: Non-Finnish European, 0.0018%; no homozygotes.

Submissions (2):

Labcorp Genetics (formerly Invitae), Labcorp
Classification: Likely pathogenic for Propionic acidemia. Last evaluated: 2025-09-01. Review status: criteria provided, single submitter. Criteria: Invitae Variant Classification Sherloc (09022015). Collection method: clinical testing. Allele origin: germline.
Comment: This sequence change replaces proline, which is neutral and non-polar, with serine, which is neutral and polar, at codon 423 of the PCCA protein (p.Pro423Ser). This variant is present in population databases (rs754755038, gnomAD 0.004%). This variant has not been reported in the literature in individuals affected with PCCA-related conditions. ClinVar contains an entry for this variant (Variation ID: 2166075). Invitae Evidence Modeling of protein sequence and biophysical properties (such as structural, functional, and spatial information, amino acid conservation, physicochemical variation, residue mobility, and thermodynamic stability) indicates that this missense variant is expected to disrupt PCCA protein function with a positive predictive value of 80%. This variant disrupts the p.Pro423 amino acid residue in PCCA. Other variant(s) that disrupt this residue have been determined to be pathogenic (PMID: 2037281, 10518292, 20549364, 22033733). This suggests that this residue is clinically significant, and that variants that disrupt this residue are likely to be disease-causing. In summary, the currently available evidence indicates that the variant is pathogenic, but additional data are needed to prove that conclusively. Therefore, this variant has been classified as Likely Pathogenic.

Women's Health and Genetics/Laboratory Corporation of America, LabCorp
Classification: Uncertain significance. Last evaluated: 2024-10-15. Review status: criteria provided, single submitter. Criteria: LabCorp Variant Classification Summary - May 2015. Collection method: clinical testing. Allele origin: germline.
Comment: Variant summary: PCCA c.1267C>T (p.Pro423Ser) results in a non-conservative amino acid change located in the Biotin carboxylase, C-terminal domain (IPR005482) of the encoded protein sequence. Five of five in-silico tools predict a damaging effect of the variant on protein function. The variant allele was found at a frequency of 2e-05 in 251340 control chromosomes. The available data on variant occurrences in the general population are insufficient to allow any conclusion about variant significance. To our knowledge, no occurrence of c.1267C>T in individuals affected with Propionic Acidemia and no experimental evidence demonstrating its impact on protein function have been reported. ClinVar contains an entry for this variant (Variation ID: 2166075). Based on the evidence outlined above, the variant was classified as uncertain significance.

Literature cited by the submitters: PubMed 2037281 (cited by Labcorp Genetics (formerly Invitae), Labcorp); PubMed 10518292 (cited by Labcorp Genetics (formerly Invitae), Labcorp); PubMed 20549364 (cited by Labcorp Genetics (formerly Invitae), Labcorp); PubMed 22033733 (cited by Labcorp Genetics (formerly Invitae), Labcorp).